The following is an entry in ClinVar:

ClinVar aggregate classification (germline): Pathogenic (1 of 4 stars; one submission).

Conditions:
Epidermodysplasia verruciformis. Identifiers: Orphanet 302, MedGen C0014522, MONDO:0009176.

Submission:

Labcorp Genetics (formerly Invitae), Labcorp
Classification: Pathogenic for Epidermodysplasia verruciformis. Last evaluated: 2025-11-24. Review status: criteria provided, single submitter. Criteria: Invitae Variant Classification Sherloc (09022015). Collection method: clinical testing. Allele origin: germline.
Comment: This sequence change creates a premature translational stop signal (p.Ala56Argfs*67) in the TMC8 gene. It is expected to result in an absent or disrupted protein product. Loss-of-function variants in TMC8 are known to be pathogenic (PMID: 12426567, 22158547). This variant is not present in population databases (gnomAD no frequency). This variant has not been reported in the literature in individuals affected with TMC8-related conditions. ClinVar contains an entry for this variant (Variation ID: 3677105). For these reasons, this variant has been classified as Pathogenic.

Literature cited by the submitters: PubMed 12426567; PubMed 22158547.

NM_152468.5(TMC8):c.166del (p.Ala56fs)

Genes: TMC6 (transmembrane channel like 6; minus strand), TMC8 (transmembrane channel like 8; plus strand), LOC130061792 (ATAC-STARR-seq lymphoblastoid silent region 9043; plus strand). Cytogenetic location: 17q25.3.
Variant type: Deletion.
Coding change: c.166del on transcript NM_152468.5 (MANE Select); coding-DNA position 166, one base deleted (G; older notation c.166delG).
Protein change: p.Ala56fs; shifts the reading frame from alanine 56.
Molecular consequence: frameshift variant. On other transcripts: intron variant (1).
Genome position (GRCh38, 1-based): chr17:78,131,898, G deleted. VCF-style (leftmost placement, unchanged base first): chr17-78131897-CG-C. GRCh37 (hg19) VCF-style: chr17-76127978-CG-C.
Other names: c.-75+443del (NM_007267.7); short protein forms A56fs.
Identifiers: ClinVar variation 3677105 (VCV003677105.2).
Genomic context (GRCh38, chr17:78,131,897, plus strand): 5'-CAGGGCGGGTGACTCAGGGGCGCCCCTGTCACCACCCCCGTCCAGGCAGCTGCGGGAGCC[CG>C]CGGGGGTGCAGACCTTGCGCTGGCAGCGGTGGCAGCGCCGGCGGCAGACGGTGGAAAGGC-3'